The following is an entry in ClinVar:

NM_000666.3(ACY1):c.1156C>T (p.Arg386Cys)

Genes: ACY1 (aminoacylase 1; plus strand), ABHD14A-ACY1 (ABHD14A-ACY1 readthrough; plus strand). Cytogenetic location: 3p21.2.
Variant type: single nucleotide variant.
Coding change: c.1156C>T on transcript NM_000666.3 (MANE Select); coding-DNA position 1156, C replaced by T.
Protein change: p.Arg386Cys; replaces arginine 386 with cysteine.
Molecular consequence: missense variant.
Genome position (GRCh38, 1-based): chr3:51,989,004, C>T. VCF-style: chr3-51989004-C-T. GRCh37 (hg19) VCF-style: chr3-52023020-C-T.
Other names: c.1426C>T, p.Arg476Cys (NM_001316331.2); c.1156C>T, p.Arg386Cys (NM_001198895.2); c.940C>T, p.Arg314Cys (NM_001198896.2); c.961C>T, p.Arg321Cys (NM_001198897.2); c.1051C>T, p.Arg351Cys (NM_001198898.2); short protein forms R314C, R321C, R351C, R386C, R476C.
Identifiers: ClinVar variation 712435 (VCV000712435.17), dbSNP rs2229152, ClinGen allele CA2428772.

ClinVar aggregate classification (germline): Conflicting classifications of pathogenicity. Review status: criteria provided, conflicting classifications (1 of 4 stars). 4 submissions from 4 submitters: Uncertain significance (1); Benign (2). 1 of the submissions does not count toward it. Last evaluated 2026-09-01.

Conditions:
ACY1-related disorder. Also called: ACY1-related condition.
Aminoacylase 1 deficiency. Also called: Neurological conditions associated with aminoacylase 1 deficiency. Identifiers: Orphanet 137754, MedGen C1835922, MONDO:0012368, OMIM 609924.

Allele frequency attached by ClinVar (database versions not stated): gnomAD exomes 0.00088 and 0.00148; ExAC 0.00176; gnomAD 0.00499 and 0.00516; 1000 Genomes Project 30x 0.00515; 1000 Genomes Project 0.00539; TOPMed 0.00601; ESP Exome Variant Server 0.00669.
gnomAD v4.1: 2,077 of 1,614,126 alleles (0.13%); highest among the groups gnomAD compares: African/African-American, 1.8%; 12 homozygotes.

Submissions (4):

CeGaT Center for Human Genetics Tuebingen
Classification: Benign. Last evaluated: 2026-09-01. Review status: criteria provided, single submitter. Criteria: CeGaT Center For Human Genetics Tuebingen Variant Classification Criteria Version 2. Collection method: clinical testing. Allele origin: germline. Affected: yes. Observed: 2 variant alleles.
Comment: ABHD14A-ACY1: BS1, BS2; ACY1: BS1, BS2

Labcorp Genetics (formerly Invitae), Labcorp
Classification: Benign. Last evaluated: 2026-01-07. Review status: criteria provided, single submitter. Criteria: Invitae Variant Classification Sherloc (09022015). Collection method: clinical testing. Allele origin: germline.

Mendelics
Classification: Uncertain significance for Aminoacylase 1 deficiency. Last evaluated: 2019-05-28. Review status: criteria provided, single submitter. Criteria: Mendelics Assertion Criteria 2017. Collection method: clinical testing. Allele origin: unknown.

PreventionGenetics, part of Exact Sciences
Classification: Likely benign for ACY1-related condition. Last evaluated: 2022-02-02. Review status: no assertion criteria provided. Collection method: clinical testing. Allele origin: germline. Not counted in ClinVar's aggregate classification.
Comment: This variant is classified as likely benign based on ACMG/AMP sequence variant interpretation guidelines (Richards et al. 2015 PMID: 25741868, with internal and published modifications).